The following is an entry in ClinVar:

ClinVar aggregate classification (germline): Likely benign. Review status: criteria provided, single submitter (1 of 4 stars). 2 submissions from 2 submitters: Likely benign (1). 1 of the submissions does not count toward it. Last evaluated 2025-06-29.

Conditions:
VCAN-related disorder. Also called: VCAN-related condition.

Allele frequency attached by ClinVar (database versions not stated): ExAC 0.00001; gnomAD 0.00002 and 0.00003; gnomAD exomes 0.00002 and 0.00006; TOPMed 0.00004.
gnomAD v4.1: 94 of 1,612,894 alleles (0.0058%); highest among the groups gnomAD compares: Middle Eastern, 0.016%; no homozygotes.

Submissions (2):

Labcorp Genetics (formerly Invitae), Labcorp
Classification: Likely benign. Last evaluated: 2025-06-29. Review status: criteria provided, single submitter. Criteria: Invitae Variant Classification Sherloc (09022015). Collection method: clinical testing. Allele origin: germline.

PreventionGenetics, part of Exact Sciences
Classification: Likely benign for VCAN-related condition. Last evaluated: 2019-04-25. Review status: no assertion criteria provided. Collection method: clinical testing. Allele origin: germline. Not counted in ClinVar's aggregate classification.
Comment: This variant is classified as likely benign based on ACMG/AMP sequence variant interpretation guidelines (Richards et al. 2015 PMID: 25741868, with internal and published modifications).

NM_004385.5(VCAN):c.9249G>A (p.Thr3083=)

Genes: VCAN (versican; plus strand), VCAN-AS1 (VCAN antisense RNA 1; minus strand). Cytogenetic location: 5q14.3.
Variant type: single nucleotide variant.
Coding change: c.9249G>A on transcript NM_004385.5 (MANE Select); coding-DNA position 9249, G replaced by A.
Protein change: p.Thr3083=; no amino-acid change (threonine 3083 retained).
Molecular consequence: synonymous variant. On other transcripts: intron variant (2).
Genome position (GRCh38, 1-based): chr5:83,542,252, G>A. VCF-style: chr5-83542252-G-A. GRCh37 (hg19) VCF-style: chr5-82838071-G-A.
Other names: c.6288G>A, p.Thr2096= (NM_001164097.2); c.4004-3285G>A (NM_001164098.2); c.1043-3285G>A (NM_001126336.3); c.9249G>A (NM_004385.4).
Identifiers: ClinVar variation 1536749 (VCV001536749.10), dbSNP rs770091828, ClinGen allele CA3333936.